The following is an entry in ClinVar:

NM_005198.4(CHKB):c.-74_-55del20

Genes: CHKB-CPT1B (CHKB-CPT1B readthrough (NMD candidate); minus strand), CHKB (choline kinase beta; minus strand). Cytogenetic location: 22q13.33.
Variant type: Deletion.
Coding change: c.-74_-55del20 on transcript NM_005198.4; 74 bases upstream of the start codon through 55 bases upstream of the start codon, 20 bases deleted (GCGGCCGGAAGGAACCGAGC).
Molecular consequence: non-coding transcript variant (on NR_027928.2).
Genome position (GRCh38, 1-based): chr22:50,582,836-50,582,855, GCTCGGTTCCTTCCGGCCGC deleted on the plus strand (GCGGCCGGAAGGAACCGAGC on the coding strand, the reverse complement: CHKB is on the minus strand); deleting any 20 consecutive bases within chr22:50,582,836-50,582,861 gives the same sequence; the c. name uses the placement nearest the transcript's 3' end. VCF-style (leftmost placement, unchanged base first): chr22-50582835-GGCTCGGTTCCTTCCGGCCGC-G. GRCh37 (hg19) VCF-style: chr22-51021264-GGCTCGGTTCCTTCCGGCCGC-G.
Identifiers: ClinVar variation 676258 (VCV000676258.3), dbSNP rs144647670, ClinGen allele CA325541203.
Genomic context (GRCh38, chr22:50,582,835, plus strand): 5'-CCGCCATGGCGCGGGCTCGACCGGGCCCCAGGCCAGGCTGCGCTCCGCTCCCTTCGGACG[GGCTCGGTTCCTTCCGGCCGC>G]GCTCGGCTCCTCTTCCGGCCGGCCTGGGCTTCTCCGGTCATACTCGGGTCTCTCCGGCTC-3'

ClinVar aggregate classification (germline): Benign (1 of 4 stars; one submission).

Submission:

GeneDx
Classification: Benign. Last evaluated: 2018-06-16. Review status: criteria provided, single submitter. Criteria: GeneDx Variant Classification (06012015). Collection method: clinical testing. Allele origin: germline. Affected: yes.
Comment: This variant is considered likely benign or benign based on one or more of the following criteria: it is a conservative change, it occurs at a poorly conserved position in the protein, it is predicted to be benign by multiple in silico algorithms, and/or has population frequency not consistent with disease.